The following is an entry in ClinVar:

NM_015450.3(POT1):c.1185C>T (p.Gly395=)

Gene: POT1 (protection of telomeres 1; minus strand). Cytogenetic location: 7q31.33.
Variant type: single nucleotide variant.
Coding change: c.1185C>T on transcript NM_015450.3 (MANE Select); coding-DNA position 1185, C replaced by T.
Protein change: p.Gly395=; no amino-acid change (glycine 395 retained).
Molecular consequence: synonymous variant. On other transcripts: non-coding transcript variant (3).
Genome position (GRCh38, 1-based): chr7:124,841,157, G>A on the plus strand (C>T on the coding strand, the complement: POT1 is on the minus strand). VCF-style: chr7-124841157-G-A. GRCh37 (hg19) VCF-style: chr7-124481211-G-A.
Other names: c.792C>T, p.Gly264= (NM_001042594.2).
Identifiers: ClinVar variation 475028 (VCV000475028.21), dbSNP rs538385307, ClinGen allele CA4465191.

ClinVar aggregate classification (germline): Conflicting classifications of pathogenicity. Review status: criteria provided, conflicting classifications (1 of 4 stars). 5 submissions from 5 submitters: Uncertain significance (1); Likely benign (4). Last evaluated 2026-05-07.

Conditions:
POT1-related disorder. Also called: POT1-related condition.
Tumor predisposition syndrome 3 (TPDS3). Also called: Melanoma, cutaneous malignant, susceptibility to, 10; Glioma susceptibility 9; LONG TELOMERE SYNDROME, POT1-RELATED; POT1 Tumor Predisposition. Identifiers: Orphanet 618, MedGen C4014476, MONDO:0014368, OMIM 615848.
Hereditary cancer-predisposing syndrome. Also called: Neoplastic Syndromes, Hereditary; Hereditary Cancer Syndrome; Tumor predisposition; Hereditary neoplastic syndrome. Identifiers: Orphanet 140162, MedGen C0027672, MeSH D009386, MONDO:0015356.

Allele frequency attached by ClinVar (database versions not stated): TOPMed below 0.00001; gnomAD 0.00001; ExAC 0.00002; 1000 Genomes Project 30x 0.00016; 1000 Genomes Project 0.00020.
gnomAD v4.1: 13 of 1,611,678 alleles (0.00081%); highest among the groups gnomAD compares: East Asian, 0.013%; no homozygotes.

Submissions (6):

PreventionGenetics, part of Exact Sciences
Classification: Likely benign for POT1-related condition. Last evaluated: 2026-05-07. Review status: criteria provided, single submitter. Criteria: ACMG Guidelines, 2015. Collection method: clinical testing. Allele origin: germline.
Comment: This variant is classified as likely benign based on ACMG/AMP sequence variant interpretation guidelines (Richards et al. 2015 PMID: 25741868, with internal and published modifications).

Center for Genomic Medicine, Rigshospitalet, Copenhagen University Hospital
Classification: Likely benign. Last evaluated: 2025-12-29. Review status: criteria provided, single submitter. Criteria: ACMG Guidelines, 2015. Collection method: clinical testing. Allele origin: germline.

Labcorp Genetics (formerly Invitae), Labcorp
Classification: Likely benign for Tumor predisposition syndrome 3. Last evaluated: 2025-10-13. Review status: criteria provided, single submitter. Criteria: Invitae Variant Classification Sherloc (09022015). Collection method: clinical testing. Allele origin: germline.

GeneDx
Classification: Uncertain significance. Last evaluated: 2023-08-15. Review status: criteria provided, single submitter. Criteria: GeneDx Variant Classification Process June 2021. Collection method: clinical testing. Allele origin: germline. Affected: yes.
Comment: Has not been previously published as pathogenic or benign to our knowledge; In silico analysis suggests this variant may impact gene splicing. In the absence of RNA/functional studies, the actual effect of this sequence change is unknown.

Ambry Genetics
Classification: Likely benign for Hereditary cancer-predisposing syndrome. Last evaluated: 2018-10-04. Review status: criteria provided, single submitter. Criteria: Ambry Variant Classification Scheme 2023. Collection method: clinical testing. Allele origin: germline.

Dr. Peter K. Rogan Lab, Western University
No classification provided (evidence only). Condition: Malignant tumor of esophagus. Review status: no classification provided. Collection method: in vitro. Allele origin: not applicable. Functional consequence: retained intron. Not counted in ClinVar's aggregate classification.